The following is an entry in ClinVar:

NM_199242.3(UNC13D):c.2799C>G (p.Ser933Arg)

Genes: UNC13D (unc-13 homolog D; minus strand), LOC112533672 (Sharpr-MPRA regulatory region 1193; plus strand). Cytogenetic location: 17q25.1.
Variant type: single nucleotide variant.
Coding change: c.2799C>G on transcript NM_199242.3 (MANE Select); coding-DNA position 2799, C replaced by G.
Protein change: p.Ser933Arg; replaces serine 933 with arginine.
Molecular consequence: missense variant.
Genome position (GRCh38, 1-based): chr17:75,830,393, G>C on the plus strand (C>G on the coding strand, the complement: UNC13D is on the minus strand). VCF-style: chr17-75830393-G-C. GRCh37 (hg19) VCF-style: chr17-73826474-G-C.
Other names: short protein forms S933R.
Identifiers: ClinVar variation 4740389 (VCV004740389.1).

ClinVar aggregate classification (germline): Uncertain significance (1 of 4 stars; one submission).

Conditions:
Familial hemophagocytic lymphohistiocytosis 3 (FHL3). Also called: UNC13D-Related Familial Hemophagocytic Lymphohistiocytosis (UNC13D-fHLH). Identifiers: Orphanet 540, MedGen C1837174, MONDO:0012146, OMIM 608898.

Submission:

Labcorp Genetics (formerly Invitae), Labcorp
Classification: Uncertain significance for Familial hemophagocytic lymphohistiocytosis 3. Last evaluated: 2025-12-25. Review status: criteria provided, single submitter. Criteria: Invitae Variant Classification Sherloc (09022015). Collection method: clinical testing. Allele origin: germline.
Comment: This sequence change replaces serine, which is neutral and polar, with arginine, which is basic and polar, at codon 933 of the UNC13D protein (p.Ser933Arg). This variant is not present in population databases (gnomAD no frequency). This variant has not been reported in the literature in individuals affected with UNC13D-related conditions. Invitae Evidence Modeling of protein sequence and biophysical properties (such as structural, functional, and spatial information, amino acid conservation, physicochemical variation, residue mobility, and thermodynamic stability) indicates that this missense variant is not expected to disrupt UNC13D protein function with a negative predictive value of 80%. In summary, the available evidence is currently insufficient to determine the role of this variant in disease. Therefore, it has been classified as a Variant of Uncertain Significance.